The following is an entry in ClinVar:

NM_000478.6(ALPL):c.1276G>A (p.Gly426Ser)

Gene: ALPL (alkaline phosphatase, biomineralization associated; plus strand). Cytogenetic location: 1p36.12.
Variant type: single nucleotide variant.
Coding change: c.1276G>A on transcript NM_000478.6 (MANE Select); coding-DNA position 1276, G replaced by A.
Protein change: p.Gly426Ser; replaces glycine 426 with serine.
Molecular consequence: missense variant.
Genome position (GRCh38, 1-based): chr1:21,576,608, G>A. VCF-style: chr1-21576608-G-A. GRCh37 (hg19) VCF-style: chr1-21903101-G-A.
Other names: c.1111G>A, p.Gly371Ser (NM_001127501.4); c.1045G>A, p.Gly349Ser (NM_001177520.3); c.1276G>A, p.Gly426Ser (NM_001369803.2, NM_001369804.2, NM_001369805.2); c.1276G>A (NM_000478.5); short protein forms G426S, G349S, G371S.
Identifiers: ClinVar variation 1455042 (VCV001455042.12), dbSNP rs770548228, ClinGen allele CA666792.

ClinVar aggregate classification (germline): Pathogenic/Likely pathogenic. Review status: criteria provided, multiple submitters, no conflicts (2 of 4 stars). 6 submissions from 6 submitters: Pathogenic (5); Likely pathogenic (1). Last evaluated 2025-08-29.

Conditions:
Adult hypophosphatasia. Identifiers: Orphanet 247676, Orphanet 436, MedGen C0268413, MONDO:1010154, OMIM 146300, MONDO:0007798.
Childhood hypophosphatasia. Identifiers: Orphanet 247667, Orphanet 436, MedGen C0220743, MONDO:1010168, OMIM 241510, MONDO:0009428.
Infantile hypophosphatasia. Identifiers: Orphanet 247651, Orphanet 436, MedGen C0268412, MONDO:1010169, OMIM 241500, MONDO:0009427.
Hypophosphatasia. Also called: Phosphoethanol-aminuria. Identifiers: Orphanet 436, MedGen C0020630, MeSH D007014, MONDO:0018570.

Allele frequency attached by ClinVar (database versions not stated): gnomAD exomes below 0.00001; ExAC 0.00001; TOPMed 0.00001.
gnomAD v4.1: 5 of 1,613,938 alleles (0.00031%); highest among the groups gnomAD compares: East Asian, 0.0022%; no homozygotes.

Submissions (6):

Genomenon, Inc
Classification: Pathogenic for Hypophosphatasia. Last evaluated: 2025-08-29. Review status: criteria provided, single submitter. Criteria: Genomenon Sequence Variant Interpretation Standards. Collection method: curation. Allele origin: germline. Affected: yes.
Comment: ALPL Gly426Ser (c.1276G>A) is a missense variant that changes the amino acid at residue 426 from Glycine to Serine. This variant has been observed in at least one proband affected with hypophosphatasia (PMID:28401263;29236161;29774402;32983894;24276437). At least one functional study has demonstrated a substantial alteration in protein function relative to the wild-type (PMID:28000043). It is absent or not present at a significant frequency in gnomAD. In silico models agree that this variant is possibly or probably damaging. In conclusion, we classify ALPL p.Gly426Ser (c.1276G>A) as a pathogenic variant.

Labcorp Genetics (formerly Invitae), Labcorp
Classification: Pathogenic. Last evaluated: 2025-07-29. Review status: criteria provided, single submitter. Criteria: Invitae Variant Classification Sherloc (09022015). Collection method: clinical testing. Allele origin: germline.
Comment: This sequence change replaces glycine, which is neutral and non-polar, with serine, which is neutral and polar, at codon 426 of the ALPL protein (p.Gly426Ser). This variant is present in population databases (rs770548228, gnomAD 0.003%). This missense change has been observed in individuals with autosomal dominant and autosomal recessive hypophosphatasia (PMID: 24276437, 28401263, 29236161). This variant is also known as G409S. ClinVar contains an entry for this variant (Variation ID: 1455042). Invitae Evidence Modeling of protein sequence and biophysical properties (such as structural, functional, and spatial information, amino acid conservation, physicochemical variation, residue mobility, and thermodynamic stability) indicates that this missense variant is expected to disrupt ALPL protein function with a positive predictive value of 95%. Experimental studies have shown that this missense change affects ALPL function (PMID: 28000043). For these reasons, this variant has been classified as Pathogenic.

Natera, Inc.
Classification: Pathogenic for Hypophosphatasia. Last evaluated: 2024-08-15. Review status: criteria provided, single submitter. Criteria: Natera Variant Classification Schema (03/2026). Collection method: clinical testing. Allele origin: germline.
Comment: The c.1276G>A variant in ALPL is a missense variant predicted to cause substitution of glycine to serine at amino acid 426. This variant is rare in the general population with a frequency below the threshold expected for the associated phenotype(s). This variant has been observed in one or more individuals affected with the associated recessive disease, as either homozygous or compound heterozygous with a second variant (PMID: 32547926, 24276437, 23791648, 32160374, 32983894, 29774402, 32987199). Functional studies show that this variant may disrupt protein function (PMID: 28000043). A different variant at the same position has been determined to be Pathogenic or Likely Pathogenic. Computational prediction algorithms indicate this variant is likely to affect gene or protein function. Given the available evidence, this variant is classified as Pathogenic.

Fulgent Genetics
Classification: Likely pathogenic for Adult hypophosphatasia; Infantile hypophosphatasia; Childhood hypophosphatasia. Last evaluated: 2024-06-24. Review status: criteria provided, single submitter. Criteria: ACMG Guidelines, 2015. Collection method: clinical testing. Allele origin: germline.

Women's Health and Genetics/Laboratory Corporation of America, LabCorp
Classification: Pathogenic for Hypophosphatasia. Last evaluated: 2024-06-20. Review status: criteria provided, single submitter. Criteria: LabCorp Variant Classification Summary - May 2015. Collection method: clinical testing. Allele origin: germline.
Comment: Variant summary: ALPL c.1276G>A (p.Gly426Ser) results in a non-conservative amino acid change in the encoded protein sequence. Five of five in-silico tools predict a damaging effect of the variant on protein function. The variant allele was found at a frequency of 4e-06 in 251380 control chromosomes. c.1276G>A has been reported in the literature in the heterozygous, presumed compound heterozygous, and homozygous states individuals affected with a spectrum of Hypophosphatasia phenotypes, ranging from autosomal dominant adult onset hypophosphatasia to autosomal recessive perinatal lethal hypophosphatasia (example, DelAngel_2020, McKiernan_2017, Taketani_2014, Tornero_2022, Seefried_2021). These data indicate that the variant is likely to be associated with disease. At least one publication reports experimental evidence evaluating an impact on protein function. The most pronounced variant effect results in ~10% of normal activity (example, Al-Shawafi_2017). The following publications have been ascertained in the context of this evaluation (PMID: 28000043, 32160374, 28401263, 32987199, 24276437, 35241128). ClinVar contains an entry for this variant (Variation ID: 1455042). Based on the evidence outlined above, the variant was classified as pathogenic.

Baylor Genetics
Classification: Pathogenic for Adult hypophosphatasia. Last evaluated: 2024-01-26. Review status: criteria provided, single submitter. Criteria: ACMG Guidelines, 2015. Collection method: clinical testing. Allele origin: unknown.

Literature cited by the submitters: PubMed 28401263 (cited by 3 submitters); PubMed 29236161 (cited by Genomenon, Inc and Labcorp Genetics (formerly Invitae), Labcorp); PubMed 29774402 (cited by Genomenon, Inc and Natera, Inc.); PubMed 32983894 (cited by Genomenon, Inc and Natera, Inc.); PubMed 24276437 (cited by 4 submitters); PubMed 28000043 (cited by 4 submitters); PubMed 32547926 (cited by Natera, Inc.); PubMed 23791648 (cited by Natera, Inc.); PubMed 32160374 (cited by Natera, Inc. and Women's Health and Genetics/Laboratory Corporation of America, LabCorp); PubMed 32987199 (cited by Natera, Inc. and Women's Health and Genetics/Laboratory Corporation of America, LabCorp); PubMed 35241128 (cited by Women's Health and Genetics/Laboratory Corporation of America, LabCorp).